The following is an entry in ClinVar:

ClinVar aggregate classification (germline): Pathogenic (1 of 4 stars; one submission).

Conditions:
Familial cancer of breast. Also called: hereditary breast carcinoma; BREAST CANCER, FAMILIAL; Hereditary breast cancer. Identifiers: Orphanet 227535, MedGen C0346153, MONDO:0016419, OMIM 114480. Disease mechanism: loss of function.

Submission:

Myriad Genetics, Inc.
Classification: Pathogenic for Familial cancer of breast. Last evaluated: 2024-02-02. Review status: criteria provided, single submitter. Criteria: Myriad Autosomal Dominant, Autosomal Recessive and X-Linked Classification Criteria (2023). Collection method: clinical testing. Allele origin: unknown.
Comment: This variant is considered pathogenic. This variant creates a frameshift predicted to result in premature protein truncation.

NM_000051.4(ATM):c.8225del (p.Asn2742fs)

Genes: ATM (ATM serine/threonine kinase; plus strand), C11orf65 (chromosome 11 open reading frame 65; minus strand). Cytogenetic location: 11q22.3.
Variant type: Deletion.
Coding change: c.8225del on transcript NM_000051.4 (MANE Select); coding-DNA position 8225, one base deleted (A; older notation c.8225delA).
Protein change: p.Asn2742fs; shifts the reading frame from asparagine 2742.
Molecular consequence: frameshift variant. On other transcripts: intron variant (2).
Genome position (GRCh38, 1-based): chr11:108,335,918, A deleted; the last of 3 consecutive A bases (chr11:108,335,916-108,335,918); deleting any one gives the same sequence. VCF-style (leftmost placement, unchanged base first): chr11-108335915-GA-G. GRCh37 (hg19) VCF-style: chr11-108206642-GA-G.
Other names: c.8225del, p.Asn2742fs (NM_001351834.2); c.641-26845del (NM_001330368.2); c.695-624del (NM_001351110.2); short protein forms N2742fs.
Identifiers: ClinVar variation 3148394 (VCV003148394.1), dbSNP rs1162534390, ClinGen allele CA2825001967.